The following is an entry in ClinVar:

NM_000092.5(COL4A4):c.2614C>T (p.Pro872Ser)

Gene: COL4A4 (collagen type IV alpha 4 chain; minus strand). Cytogenetic location: 2q36.3.
Variant type: single nucleotide variant.
Coding change: c.2614C>T on transcript NM_000092.5 (MANE Select); coding-DNA position 2614, C replaced by T.
Protein change: p.Pro872Ser; replaces proline 872 with serine.
Molecular consequence: missense variant.
Genome position (GRCh38, 1-based): chr2:227,056,047, G>A on the plus strand (C>T on the coding strand, the complement: COL4A4 is on the minus strand). VCF-style: chr2-227056047-G-A. GRCh37 (hg19) VCF-style: chr2-227920763-G-A.
Other names: short protein forms P872S.
Identifiers: ClinVar variation 4707126 (VCV004707126.1).
Genomic context (GRCh38, chr2:227,056,047, plus strand): 5'-GACCTGGGATTCCTGGGAGGCCTGGGGGACCATGTGCCCCAGGCCGTCCTGGGAGTCCGG[G>A]GAGGCCTTTCATTCCAGCTGGCCCGGGAGGCCCCACATCTCCCGGCTGTCCTTTCCCACC-3'
Protein context (NP_000083.3, residues 862-882): PPGPAGMKGL[Pro872Ser]GLPGRPGAHG

ClinVar aggregate classification (germline): Uncertain significance (1 of 4 stars; one submission).

Submission:

Labcorp Genetics (formerly Invitae), Labcorp
Classification: Uncertain significance. Last evaluated: 2025-04-13. Review status: criteria provided, single submitter. Criteria: Invitae Variant Classification Sherloc (09022015). Collection method: clinical testing. Allele origin: germline.
Comment: This sequence change replaces proline, which is neutral and non-polar, with serine, which is neutral and polar, at codon 872 of the COL4A4 protein (p.Pro872Ser). This variant is not present in population databases (gnomAD no frequency). This variant has not been reported in the literature in individuals affected with COL4A4-related conditions. Invitae Evidence Modeling of protein sequence and biophysical properties (such as structural, functional, and spatial information, amino acid conservation, physicochemical variation, residue mobility, and thermodynamic stability) indicates that this missense variant is not expected to disrupt COL4A4 protein function with a negative predictive value of 95%. In summary, the available evidence is currently insufficient to determine the role of this variant in disease. Therefore, it has been classified as a Variant of Uncertain Significance.